The following is an entry in ClinVar:

NM_002299.4(LCT):c.3829G>A (p.Gly1277Arg)

Gene: LCT (lactase; minus strand). Cytogenetic location: 2q21.3.
Variant type: single nucleotide variant.
Coding change: c.3829G>A on transcript NM_002299.4 (MANE Select); coding-DNA position 3829, G replaced by A.
Protein change: p.Gly1277Arg; replaces glycine 1277 with arginine.
Molecular consequence: missense variant.
Genome position (GRCh38, 1-based): chr2:135,808,518, C>T on the plus strand (G>A on the coding strand, the complement: LCT is on the minus strand). VCF-style: chr2-135808518-C-T. GRCh37 (hg19) VCF-style: chr2-136566088-C-T.
Other names: short protein forms G1277R.
Identifiers: ClinVar variation 1362363 (VCV001362363.4), dbSNP rs2105532721, ClinGen allele CA348598422.

ClinVar aggregate classification (germline): Uncertain significance (1 of 4 stars; one submission).

Submission:

Labcorp Genetics (formerly Invitae), Labcorp
Classification: Uncertain significance. Last evaluated: 2025-02-10. Review status: criteria provided, single submitter. Criteria: Invitae Variant Classification Sherloc (09022015). Collection method: clinical testing. Allele origin: germline.
Comment: This sequence change replaces glycine with arginine at codon 1277 of the LCT protein (p.Gly1277Arg). The glycine residue is moderately conserved and there is a moderate physicochemical difference between glycine and arginine. This variant is not present in population databases (gnomAD no frequency). This variant has not been reported in the literature in individuals affected with LCT-related conditions. ClinVar contains an entry for this variant (Variation ID: 1362363). Invitae Evidence Modeling of protein sequence and biophysical properties (such as structural, functional, and spatial information, amino acid conservation, physicochemical variation, residue mobility, and thermodynamic stability) indicates that this missense variant is not expected to disrupt LCT protein function with a negative predictive value of 80%. In summary, the available evidence is currently insufficient to determine the role of this variant in disease. Therefore, it has been classified as a Variant of Uncertain Significance.